The following is an entry in ClinVar:

ClinVar aggregate classification (germline): Uncertain significance (1 of 4 stars; one submission).

Conditions:
Hereditary cancer-predisposing syndrome. Also called: Tumor predisposition; Neoplastic Syndromes, Hereditary; Hereditary neoplastic syndrome; Hereditary Cancer Syndrome. Identifiers: Orphanet 140162, MedGen C0027672, MeSH D009386, MONDO:0015356.

gnomAD v4.1: 1 of 1,613,946 alleles (0.000062%); highest among the groups gnomAD compares: Non-Finnish European, 0.000085%; no homozygotes.

Submission:

Ambry Genetics
Classification: Uncertain significance for Hereditary cancer-predisposing syndrome. Last evaluated: 2025-08-27. Review status: criteria provided, single submitter. Criteria: Ambry Variant Classification Scheme 2023. Collection method: clinical testing. Allele origin: germline.
Comment: The p.S511A variant (also known as c.1531T>G), located in coding exon 16 of the MUTYH gene, results from a T to G substitution at nucleotide position 1531. The serine at codon 511 is replaced by alanine, an amino acid with similar properties. This amino acid position is conserved. In addition, this alteration is predicted to be tolerated by in silico analysis. Based on the available evidence, the clinical significance of this variant remains unclear.

NM_001048174.2(MUTYH):c.1447T>G (p.Ser483Ala)

Gene: MUTYH (mutY DNA glycosylase; minus strand). Cytogenetic location: 1p34.1.
Variant type: single nucleotide variant.
Coding change: c.1447T>G on transcript NM_001048174.2 (MANE Select); coding-DNA position 1447, T replaced by G.
Protein change: p.Ser483Ala; replaces serine 483 with alanine.
Molecular consequence: missense variant. On other transcripts: non-coding transcript variant (7).
Genome position (GRCh38, 1-based): chr1:45,329,425, A>C on the plus strand (T>G on the coding strand, the complement: MUTYH is on the minus strand). VCF-style: chr1-45329425-A-C. GRCh37 (hg19) VCF-style: chr1-45795097-A-C.
Other names: c.1447T>G, p.Ser483Ala (NM_001048171.2, NM_001048173.2, NM_001293195.2 and 6 more transcripts); c.1450T>G, p.Ser484Ala (NM_001048172.2, NM_001407071.1, NM_001407078.1 and 1 more transcripts); c.1531T>G, p.Ser511Ala (NM_001128425.2); c.1492T>G, p.Ser498Ala (NM_001293190.2); c.1480T>G, p.Ser494Ala (NM_001293191.2, NM_001407069.1, NM_001407077.1); c.1171T>G, p.Ser391Ala (NM_001293192.2, NM_001293196.2, NM_001407091.1); c.1102T>G, p.Ser368Ala (NM_001350650.2, NM_001350651.2, NM_001407082.1); c.1363T>G, p.Ser455Ala (NM_001407075.1); and 5 more; short protein forms S470A, S483A, S497A, S508A, S469A, S498A, S368A, S391A.
Identifiers: ClinVar variation 4113335 (VCV004113335.1).
Genomic context (GRCh38, chr1:45,329,425, plus strand): 5'-TATCCAGGACTTGCTGGCCCATGCGGGGCTTTTTCCGACTGCACGGAGAGGACACCTGGG[A>C]CCTTTTGGAACCCTGTGAAAAAATGGAAGGAGGGAGGCCTTGTAGTTGGGGGAGGGGGAG-3'
Protein context (NP_001041639.1, residues 473-493): QPGTCMGSKR[Ser483Ala]QVSSPCSRKK